The following is an entry in ClinVar:

ClinVar aggregate classification (germline): Uncertain significance (1 of 4 stars; one submission).

Conditions:
Christianson syndrome (MRXSCH). Also called: X-linked mental retardation, syndromic, Christianson type; SLC9A6-Related Syndromic Mental Retardation; INTELLECTUAL DEVELOPMENTAL DISORDER, X-LINKED, SYNDROMIC, CHRISTIANSON TYPE. Identifiers: Orphanet 85278, MedGen C2678194, MONDO:0010278, OMIM 300243.

Submission:

Labcorp Genetics (formerly Invitae), Labcorp
Classification: Uncertain significance for Christianson syndrome. Last evaluated: 2025-07-13. Review status: criteria provided, single submitter. Criteria: Invitae Variant Classification Sherloc (09022015). Collection method: clinical testing. Allele origin: germline.
Comment: This sequence change replaces leucine, which is neutral and non-polar, with histidine, which is basic and polar, at codon 252 of the SLC9A6 protein (p.Leu252His). This variant is not present in population databases (gnomAD no frequency). This variant has not been reported in the literature in individuals affected with SLC9A6-related conditions. Invitae Evidence Modeling of protein sequence and biophysical properties (such as structural, functional, and spatial information, amino acid conservation, physicochemical variation, residue mobility, and thermodynamic stability) indicates that this missense variant is not expected to disrupt SLC9A6 protein function with a negative predictive value of 80%. In summary, the available evidence is currently insufficient to determine the role of this variant in disease. Therefore, it has been classified as a Variant of Uncertain Significance.

NM_001379110.1(SLC9A6):c.695T>A (p.Leu232His)

Gene: SLC9A6 (solute carrier family 9 member A6; plus strand). Cytogenetic location: Xq26.3.
Variant type: single nucleotide variant.
Coding change: c.695T>A on transcript NM_001379110.1 (MANE Select); coding-DNA position 695, T replaced by A.
Protein change: p.Leu232His; replaces leucine 232 with histidine.
Molecular consequence: missense variant.
Genome position (GRCh38, 1-based): chrX:136,002,165, T>A. VCF-style: chrX-136002165-T-A. GRCh37 (hg19) VCF-style: chrX-135084324-T-A.
Other names: c.599T>A, p.Leu200His (NM_001400913.1, NM_001330652.2); c.851T>A, p.Leu284His (NM_001438742.1, NM_001042537.2); c.755T>A, p.Leu252His (NM_006359.3); c.695T>A, p.Leu232His (NM_001177651.2, NM_001400909.1, NM_001400910.1 and 2 more transcripts); short protein forms L200H, L284H, L232H, L252H.
Identifiers: ClinVar variation 4744895 (VCV004744895.1).